The following is an entry in ClinVar:

NM_004393.6(DAG1):c.1487G>T (p.Arg496Leu)

Gene: DAG1 (dystroglycan 1; plus strand). Cytogenetic location: 3p21.31.
Variant type: single nucleotide variant.
Coding change: c.1487G>T on transcript NM_004393.6 (MANE Select); coding-DNA position 1487, G replaced by T.
Protein change: p.Arg496Leu; replaces arginine 496 with leucine.
Molecular consequence: missense variant.
Genome position (GRCh38, 1-based): chr3:49,531,998, G>T. VCF-style: chr3-49531998-G-T. GRCh37 (hg19) VCF-style: chr3-49569431-G-T.
Other names: c.1487G>T, p.Arg496Leu (NM_001165928.4, NM_001177634.3, NM_001177635.3 and 9 more transcripts); short protein forms R496L.
Identifiers: ClinVar variation 447235 (VCV000447235.32), dbSNP rs199519832, ClinGen allele CA2399093.
Genomic context (GRCh38, chr3:49,531,998, plus strand): 5'-CGCCTACTCGTATTCGCACCACCACCAGTGGAGTGCCCCGTGGCGGAGAACCCAACCAGC[G>T]CCCAGAGCTCAAGAACCATATTGACAGGGTAGATGCCTGGGTTGGCACCTACTTTGAGGT-3'
Protein context (NP_004384.5, residues 486-506): GVPRGGEPNQ[Arg496Leu]PELKNHIDRV

ClinVar aggregate classification (germline): Uncertain significance. Review status: criteria provided, multiple submitters, no conflicts (2 of 4 stars). 5 submissions from 5 submitters: Uncertain significance (5). Last evaluated 2025-08-14.

Conditions:
Inborn genetic diseases. Identifiers: MedGen C0950123, MeSH D030342.
Autosomal recessive limb-girdle muscular dystrophy type 2P. Also called: Limb-Girdle Muscular Dystrophy Type 9C; MUSCULAR DYSTROPHY-DYSTROGLYCANOPATHY, LIMB-GIRDLE, DAG1-RELATED; MUSCULAR DYSTROPHY, LIMB-GIRDLE, TYPE 2P. Identifiers: Orphanet 280333, MedGen C4511963, MONDO:0013440, OMIM 613818.
Muscular dystrophy-dystroglycanopathy (congenital with brain and eye anomalies), type A9. Also called: WALKER-WARBURG SYNDROME OR MUSCLE-EYE BRAIN DISEASE, DAG1-RELATED; Muscular dystrophy-dystroglycanopathy (congenital with brain and eye anomalies), type a, 9. Identifiers: Orphanet 370997, Orphanet 899, MedGen C4225291, MONDO:0014683, OMIM 616538.

Allele frequency attached by ClinVar (database versions not stated): TOPMed 0.00009.
gnomAD v4.1: 156 of 1,614,018 alleles (0.0097%); highest among the groups gnomAD compares: Non-Finnish European, 0.013%; no homozygotes.

Submissions (5):

Ambry Genetics
Classification: Uncertain significance for Inborn genetic diseases. Last evaluated: 2025-08-14. Review status: criteria provided, single submitter. Criteria: Ambry Variant Classification Scheme 2023. Collection method: clinical testing. Allele origin: germline.

Athena Diagnostics
Classification: Uncertain significance. Last evaluated: 2024-03-15. Review status: criteria provided, single submitter. Criteria: Athena Diagnostics Criteria. Collection method: clinical testing. Allele origin: unknown.
Comment: Available data are insufficient to determine the clinical significance of the variant at this time. The frequency of this variant in the general population is uninformative in assessment of its pathogenicity. Computational tools predict that this variant is not damaging.

GeneDx
Classification: Uncertain significance. Last evaluated: 2023-10-30. Review status: criteria provided, single submitter. Criteria: GeneDx Variant Classification Process June 2021. Collection method: clinical testing. Allele origin: germline. Affected: yes.
Comment: Not observed at significant frequency in large population cohorts (gnomAD); In silico analysis supports that this missense variant does not alter protein structure/function; Has not been previously published as pathogenic or benign to our knowledge

CeGaT Center for Human Genetics Tuebingen
Classification: Uncertain significance. Last evaluated: 2023-09-01. Review status: criteria provided, single submitter. Criteria: CeGaT Center For Human Genetics Tuebingen Variant Classification Criteria Version 2. Collection method: clinical testing. Allele origin: germline. Affected: yes. Observed: 1 variant allele.
Comment: DAG1: PM2, BP4

Labcorp Genetics (formerly Invitae), Labcorp
Classification: Uncertain significance for Autosomal recessive limb-girdle muscular dystrophy type 2P; Muscular dystrophy-dystroglycanopathy (congenital with brain and eye anomalies), type A9. Last evaluated: 2022-11-01. Review status: criteria provided, single submitter. Criteria: Invitae Variant Classification Sherloc (09022015). Collection method: clinical testing. Allele origin: germline.
Comment: This sequence change replaces arginine, which is basic and polar, with leucine, which is neutral and non-polar, at codon 496 of the DAG1 protein (p.Arg496Leu). This variant is present in population databases (rs199519832, gnomAD 0.009%). This variant has not been reported in the literature in individuals affected with DAG1-related conditions. ClinVar contains an entry for this variant (Variation ID: 447235). Advanced modeling of protein sequence and biophysical properties (such as structural, functional, and spatial information, amino acid conservation, physicochemical variation, residue mobility, and thermodynamic stability) performed at Invitae indicates that this missense variant is not expected to disrupt DAG1 protein function. In summary, the available evidence is currently insufficient to determine the role of this variant in disease. Therefore, it has been classified as a Variant of Uncertain Significance.